The following is an entry in ClinVar:

NM_005751.5(AKAP9):c.128C>T (p.Ser43Leu)

Gene: AKAP9 (A-kinase anchoring protein 9; plus strand). Cytogenetic location: 7q21.2.
Variant type: single nucleotide variant.
Coding change: c.128C>T on transcript NM_005751.5 (MANE Select); coding-DNA position 128, C replaced by T.
Protein change: p.Ser43Leu; replaces serine 43 with leucine.
Molecular consequence: missense variant.
Genome position (GRCh38, 1-based): chr7:91,973,790, C>T. VCF-style: chr7-91973790-C-T. GRCh37 (hg19) VCF-style: chr7-91603104-C-T.
Other names: c.128C>T, p.Ser43Leu (NM_147185.3); short protein forms S43L.
Identifiers: ClinVar variation 3225016 (VCV003225016.1), dbSNP rs2484598663, ClinGen allele CA368118514.
Genomic context (GRCh38, chr7:91,973,790, plus strand): 5'-GAAAAGCTCAGTCGGATGGGCAGAGTCCTTCCAAGAAGCAGAAAAAAAAGAGAAAAACGT[C>T]AAGCAGTAAACATGATGTGTCAGCACACCATGATTTGAATATTGATCAATCACAGTGTAA-3'
Protein context (NP_005742.4, residues 33-53): SKKQKKKRKT[Ser43Leu]SSKHDVSAHH

ClinVar aggregate classification (germline): Uncertain significance (1 of 4 stars; one submission).

Conditions:
Cardiovascular phenotype. Identifiers: MedGen CN230736.

Submission:

Ambry Genetics
Classification: Uncertain significance for Cardiovascular phenotype. Last evaluated: 2023-09-22. Review status: criteria provided, single submitter. Criteria: Ambry Variant Classification Scheme 2023. Collection method: clinical testing. Allele origin: germline.
Comment: The p.S43L variant (also known as c.128C>T), located in coding exon 2 of the AKAP9 gene, results from a C to T substitution at nucleotide position 128. The serine at codon 43 is replaced by leucine, an amino acid with dissimilar properties. This amino acid position is conserved. In addition, this alteration is predicted to be tolerated by in silico analysis. Since supporting evidence is limited at this time, the clinical significance of this alteration remains unclear.